The following is an entry in ClinVar:

ClinVar aggregate classification (germline): Uncertain significance. Review status: criteria provided, multiple submitters, no conflicts (2 of 4 stars). 3 submissions from 3 submitters: Uncertain significance (3). Last evaluated 2025-08-28.

Conditions:
Inborn genetic diseases. Identifiers: MedGen C0950123, MeSH D030342.

Allele frequency attached by ClinVar (database versions not stated): ExAC 0.00001; ESP Exome Variant Server 0.00008.
gnomAD v4.1: 12 of 1,613,816 alleles (0.00074%); highest among the groups gnomAD compares: Non-Finnish European, 0.001%; no homozygotes.

Submissions (3):

Ambry Genetics
Classification: Uncertain significance for Inborn genetic diseases. Last evaluated: 2025-08-28. Review status: criteria provided, single submitter. Criteria: Ambry Variant Classification Scheme 2023. Collection method: clinical testing. Allele origin: germline.

GeneDx
Classification: Uncertain significance. Last evaluated: 2025-01-07. Review status: criteria provided, single submitter. Criteria: GeneDx Variant Classification Process June 2021. Collection method: clinical testing. Allele origin: germline. Affected: yes.
Comment: Not observed at significant frequency in large population cohorts (gnomAD); In silico analysis indicates that this missense variant does not alter protein structure/function; Has not been previously published as pathogenic or benign to our knowledge

Labcorp Genetics (formerly Invitae), Labcorp
Classification: Uncertain significance. Last evaluated: 2022-07-17. Review status: criteria provided, single submitter. Criteria: Invitae Variant Classification Sherloc (09022015). Collection method: clinical testing. Allele origin: germline.
Comment: In summary, the available evidence is currently insufficient to determine the role of this variant in disease. Therefore, it has been classified as a Variant of Uncertain Significance. This sequence change replaces methionine, which is neutral and non-polar, with leucine, which is neutral and non-polar, at codon 5 of the COX6B1 protein (p.Met5Leu). This variant is present in population databases (rs373850890, gnomAD 0.002%). This variant has not been reported in the literature in individuals affected with COX6B1-related conditions. Algorithms developed to predict the effect of missense changes on protein structure and function (SIFT, PolyPhen-2, Align-GVGD) all suggest that this variant is likely to be tolerated.

NM_001863.5(COX6B1):c.13A>C (p.Met5Leu)

Gene: COX6B1 (cytochrome c oxidase subunit 6B1; plus strand). Cytogenetic location: 19q13.12.
Variant type: single nucleotide variant.
Coding change: c.13A>C on transcript NM_001863.5 (MANE Select); coding-DNA position 13, A replaced by C.
Protein change: p.Met5Leu; replaces methionine 5 with leucine.
Molecular consequence: missense variant.
Genome position (GRCh38, 1-based): chr19:35,651,256, A>C. VCF-style: chr19-35651256-A-C. GRCh37 (hg19) VCF-style: chr19-36142158-A-C.
Other names: c.13A>C (NM_001863.4); short protein forms M5L.
Identifiers: ClinVar variation 2072728 (VCV002072728.7), dbSNP rs373850890, ClinGen allele CA9383123.